The following is an entry in ClinVar:

ClinVar aggregate classification (germline): Uncertain significance. Review status: criteria provided, multiple submitters, no conflicts (2 of 4 stars). 2 submissions from 2 submitters: Uncertain significance (2). Last evaluated 2025-05-06.

Conditions:
Ornithine carbamoyltransferase deficiency (OTCD). Also called: OTC DEFICIENCY; Ornithine Carbamoyltransferase Deficiency Disease; ORNITHINE TRANSCARBAMYLASE DEFICIENCY; ORNITHINE TRANSCARBAMYLASE DEFICIENCY, HYPERAMMONEMIA DUE TO. Identifiers: Orphanet 664, MedGen C0268542, MONDO:0010703, OMIM 311250.

Allele frequency attached by ClinVar (database versions not stated): TOPMed 0.00001.

Submissions (2):

Institute of Human Genetics, University of Leipzig Medical Center
Classification: Uncertain significance for Ornithine carbamoyltransferase deficiency. Last evaluated: 2025-05-06. Review status: criteria provided, single submitter. Criteria: ACMG Guidelines, 2015. Collection method: clinical testing. Allele origin: unknown. Inheritance: Autosomal dominant inheritance. Affected: yes.
Comment: Criteria applied: PM5,PM2,PP3

Labcorp Genetics (formerly Invitae), Labcorp
Classification: Uncertain significance for Ornithine carbamoyltransferase deficiency. Last evaluated: 2021-03-24. Review status: criteria provided, single submitter. Criteria: Invitae Variant Classification Sherloc (09022015). Collection method: clinical testing. Allele origin: germline.
Comment: In summary, the available evidence is currently insufficient to determine the role of this variant in disease. Therefore, it has been classified as a Variant of Uncertain Significance. Advanced modeling of protein sequence and biophysical properties (such as structural, functional, and spatial information, amino acid conservation, physicochemical variation, residue mobility, and thermodynamic stability) performed at Invitae indicates that this missense variant is expected to disrupt OTC protein function. This variant has not been reported in the literature in individuals with OTC-related conditions. This variant is not present in population databases (ExAC no frequency). This sequence change replaces serine with phenylalanine at codon 81 of the OTC protein (p.Ser81Phe). The serine residue is highly conserved and there is a large physicochemical difference between serine and phenylalanine.

NM_000531.6(OTC):c.242C>T (p.Ser81Phe)

Gene: OTC (ornithine transcarbamylase; plus strand). Cytogenetic location: Xp11.4.
Variant type: single nucleotide variant.
Coding change: c.242C>T on transcript NM_000531.6 (MANE Select); coding-DNA position 242, C replaced by T.
Protein change: p.Ser81Phe; replaces serine 81 with phenylalanine.
Molecular consequence: missense variant.
Genome position (GRCh38, 1-based): chrX:38,369,821, C>T. VCF-style: chrX-38369821-C-T. GRCh37 (hg19) VCF-style: chrX-38229074-C-T.
Other names: short protein forms S81F.
Identifiers: ClinVar variation 1410482 (VCV001410482.9), dbSNP rs2068314927, ClinGen allele CA412716875.